The following is an entry in ClinVar:

ClinVar aggregate classification (germline): Likely benign (0 of 4 stars; one submission).

Conditions:
VSIG4-related disorder. Also called: VSIG4-related condition.

Submission:

PreventionGenetics, part of Exact Sciences
Classification: Likely benign for VSIG4-related condition. Last evaluated: 2023-11-02. Review status: no assertion criteria provided. Collection method: clinical testing. Allele origin: germline.
Comment: This variant is classified as likely benign based on ACMG/AMP sequence variant interpretation guidelines (Richards et al. 2015 PMID: 25741868, with internal and published modifications).

NM_007268.3(VSIG4):c.408G>A (p.Gln136=)

Genes: VSIG4 (V-set and immunoglobulin domain containing 4; minus strand), LOC126863268 (CDK7 strongly-dependent group 2 enhancer GRCh37_chrX:65252367-65253566; plus strand). Cytogenetic location: Xq12.
Variant type: single nucleotide variant.
Coding change: c.408G>A on transcript NM_007268.3 (MANE Select); coding-DNA position 408, G replaced by A.
Protein change: p.Gln136=; no amino-acid change (glutamine 136 retained).
Molecular consequence: synonymous variant.
Genome position (GRCh38, 1-based): chrX:66,033,478, C>T on the plus strand (G>A on the coding strand, the complement: VSIG4 is on the minus strand). VCF-style: chrX-66033478-C-T. GRCh37 (hg19) VCF-style: chrX-65253320-C-T.
Other names: c.408G>A, p.Gln136= (NM_001100431.2, NM_001184830.2, NM_001184831.2 and 1 more transcripts).
Identifiers: ClinVar variation 3034962 (VCV003034962.2), dbSNP rs2519508248, ClinGen allele CA516944814.